The following is an entry in ClinVar:

NM_015271.5(TRIM2):c.1415_1416del (p.His472fs)

Gene: TRIM2 (tripartite motif containing 2; plus strand). Cytogenetic location: 4q31.3.
Variant type: Deletion.
Coding change: c.1415_1416del on transcript NM_015271.5 (MANE Select); coding-DNA positions 1415 to 1416, 2 bases deleted (AC; older notation c.1415_1416delAC).
Protein change: p.His472fs; shifts the reading frame from histidine 472.
Molecular consequence: frameshift variant.
Genome position (GRCh38, 1-based): chr4:153,295,941-153,295,942, AC deleted; deleting any 2 consecutive bases within chr4:153,295,940-153,295,942 gives the same sequence; the c. name uses the placement nearest the transcript's 3' end. VCF-style (leftmost placement, unchanged base first): chr4-153295939-CCA-C. GRCh37 (hg19) VCF-style: chr4-154217091-CCA-C.
Other names: c.1334_1335del, p.His445fs (NM_001130067.2, NM_001351056.2, NM_001375512.1 and 10 more transcripts); c.1388_1389del, p.His463fs (NM_001351054.2); c.1385_1386del, p.His462fs (NM_001351055.2); c.959_960del, p.His320fs (NM_001351057.2); c.1508_1509del, p.His503fs (NM_001375488.1); c.1505_1506del, p.His502fs (NM_001375489.1); c.1358_1359del, p.His453fs (NM_001375490.1); c.1355_1356del, p.His452fs (NM_001375491.1); and 5 more; short protein forms H361fs, H462fs, H445fs, H452fs, H471fs, H503fs, H359fs, H472fs.
Identifiers: ClinVar variation 4730358 (VCV004730358.1).

ClinVar aggregate classification (germline): Uncertain significance (1 of 4 stars; one submission).

Conditions:
Charcot-Marie-Tooth disease type 2R. Also called: Charcot-Marie-Tooth disease, axonal, type 2R; CHARCOT-MARIE-TOOTH DISEASE, AXONAL, AUTOSOMAL RECESSIVE, TYPE 2R; CHARCOT-MARIE-TOOTH NEUROPATHY, TYPE 2R. Identifiers: Orphanet 397968, MedGen C3809655, MONDO:0014208, OMIM 615490.

Submission:

Labcorp Genetics (formerly Invitae), Labcorp
Classification: Uncertain significance for Charcot-Marie-Tooth disease type 2R. Last evaluated: 2025-11-03. Review status: criteria provided, single submitter. Criteria: Invitae Variant Classification Sherloc (09022015). Collection method: clinical testing. Allele origin: germline.
Comment: This sequence change creates a premature translational stop signal (p.His445Argfs*38) in the TRIM2 gene. It is expected to result in an absent or disrupted protein product. However, the current clinical and genetic evidence is not sufficient to establish whether loss-of-function variants in TRIM2 cause disease. This variant is not present in population databases (gnomAD no frequency). This variant has not been reported in the literature in individuals affected with TRIM2-related conditions. In summary, the available evidence is currently insufficient to determine the role of this variant in disease. Therefore, it has been classified as a Variant of Uncertain Significance.